The following is an entry in ClinVar:

ClinVar aggregate classification (germline): Uncertain significance (1 of 4 stars; one submission).

gnomAD v4.1: 54 of 1,612,886 alleles (0.0033%); highest among the groups gnomAD compares: Non-Finnish European, 0.0044%; no homozygotes.

Submission:

Labcorp Genetics (formerly Invitae), Labcorp
Classification: Uncertain significance. Last evaluated: 2025-07-08. Review status: criteria provided, single submitter. Criteria: Invitae Variant Classification Sherloc (09022015). Collection method: clinical testing. Allele origin: germline.
Comment: This sequence change replaces valine, which is neutral and non-polar, with methionine, which is neutral and non-polar, at codon 243 of the RNLS protein (p.Val243Met). The frequency data for this variant in the population databases is considered unreliable, as metrics indicate poor data quality at this position in the gnomAD database. This variant has not been reported in the literature in individuals affected with RNLS-related conditions. An algorithm developed to predict the effect of missense changes on protein structure and function (PolyPhen-2) suggests that this variant is likely to be disruptive. In summary, the available evidence is currently insufficient to determine the role of this variant in disease. Therefore, it has been classified as a Variant of Uncertain Significance.

NM_001031709.3(RNLS):c.727G>A (p.Val243Met)

Gene: RNLS (renalase, FAD dependent amine oxidase; minus strand). Cytogenetic location: 10q23.31.
Variant type: single nucleotide variant.
Coding change: c.727G>A on transcript NM_001031709.3 (MANE Select); coding-DNA position 727, G replaced by A.
Protein change: p.Val243Met; replaces valine 243 with methionine.
Molecular consequence: missense variant.
Genome position (GRCh38, 1-based): chr10:88,314,615, C>T on the plus strand (G>A on the coding strand, the complement: RNLS is on the minus strand). VCF-style: chr10-88314615-C-T. GRCh37 (hg19) VCF-style: chr10-90074372-C-T.
Other names: c.727G>A, p.Val243Met (NM_018363.4); short protein forms V243M.
Identifiers: ClinVar variation 4691030 (VCV004691030.1).